The following is an entry in ClinVar:

NM_015231.3(NUP160):c.2269A>G (p.Thr757Ala)

Gene: NUP160 (nucleoporin 160; minus strand). Cytogenetic location: 11p11.2.
Variant type: single nucleotide variant.
Coding change: c.2269A>G on transcript NM_015231.3 (MANE Select); coding-DNA position 2269, A replaced by G.
Protein change: p.Thr757Ala; replaces threonine 757 with alanine.
Molecular consequence: missense variant. On other transcripts: non-coding transcript variant (1).
Genome position (GRCh38, 1-based): chr11:47,808,400, T>C on the plus strand (A>G on the coding strand, the complement: NUP160 is on the minus strand). VCF-style: chr11-47808400-T-C. GRCh37 (hg19) VCF-style: chr11-47829952-T-C.
Other names: c.2371A>G (NM_015231.1); short protein forms T757A.
Identifiers: ClinVar variation 2143961 (VCV002143961.5), dbSNP rs144818879, ClinGen allele CA5981044.

ClinVar aggregate classification (germline): Uncertain significance. Review status: criteria provided, multiple submitters, no conflicts (2 of 4 stars). 2 submissions from 2 submitters: Uncertain significance (2). Last evaluated 2025-06-12.

Allele frequency attached by ClinVar (database versions not stated): gnomAD exomes 0.00003; ExAC 0.00014; 1000 Genomes Project 30x 0.00016; 1000 Genomes Project 0.00020; gnomAD 0.00033; TOPMed 0.00037; ESP Exome Variant Server 0.00085.
gnomAD v4.1: 95 of 1,611,366 alleles (0.0059%); highest among the groups gnomAD compares: African/African-American, 0.12%; no homozygotes.

Submissions (2):

Labcorp Genetics (formerly Invitae), Labcorp
Classification: Uncertain significance. Last evaluated: 2025-06-12. Review status: criteria provided, single submitter. Criteria: Invitae Variant Classification Sherloc (09022015). Collection method: clinical testing. Allele origin: germline.
Comment: This sequence change replaces threonine, which is neutral and polar, with alanine, which is neutral and non-polar, at codon 791 of the NUP160 protein (p.Thr791Ala). This variant is present in population databases (rs144818879, gnomAD 0.1%). This variant has not been reported in the literature in individuals affected with NUP160-related conditions. ClinVar contains an entry for this variant (Variation ID: 2143961). An algorithm developed to predict the effect of missense changes on protein structure and function outputs the following: PolyPhen-2: "Benign". The alanine amino acid residue is found in multiple mammalian species, which suggests that this missense change does not adversely affect protein function. In summary, the available evidence is currently insufficient to determine the role of this variant in disease. Therefore, it has been classified as a Variant of Uncertain Significance.

Ambry Genetics
Classification: Uncertain significance. Last evaluated: 2021-10-22. Review status: criteria provided, single submitter. Criteria: Ambry Variant Classification Scheme 2023. Collection method: clinical testing. Allele origin: germline.